The following is an entry in ClinVar:

ClinVar aggregate classification (germline): Benign (1 of 4 stars; one submission).

Allele frequency attached by ClinVar (database versions not stated): 1000 Genomes Project 30x 0.00156; gnomAD exomes 0.00888.

Submission:

CeGaT Center for Human Genetics Tuebingen
Classification: Benign. Last evaluated: 2024-03-01. Review status: criteria provided, single submitter. Criteria: CeGaT Center For Human Genetics Tuebingen Variant Classification Criteria Version 2. Collection method: clinical testing. Allele origin: germline. Affected: yes. Observed: 2 variant alleles.
Comment: FAM86B2: PP2, BS1, BS2

NM_001137610.3(FAM86B2):c.853C>T (p.Arg285Cys)

Gene: FAM86B2 (family with sequence similarity 86 member B2; minus strand). Cytogenetic location: 8p23.1.
Variant type: single nucleotide variant.
Coding change: c.853C>T on transcript NM_001137610.3 (MANE Select); coding-DNA position 853, C replaced by T.
Protein change: p.Arg285Cys; replaces arginine 285 with cysteine.
Molecular consequence: missense variant. On other transcripts: non-coding transcript variant (3).
Genome position (GRCh38, 1-based): chr8:12,427,696, G>A on the plus strand (C>T on the coding strand, the complement: FAM86B2 is on the minus strand). VCF-style: chr8-12427696-G-A. GRCh37 (hg19) VCF-style: chr8-12285205-G-A.
Other names: short protein forms R285C.
Identifiers: ClinVar variation 2658432 (VCV002658432.24), dbSNP rs7817085, ClinGen allele CA4636099.